The following is an entry in ClinVar:

NM_001048174.2(MUTYH):c.115+9C>G

Gene: MUTYH (mutY DNA glycosylase; minus strand). Cytogenetic location: 1p34.1.
Variant type: single nucleotide variant.
Coding change: c.115+9C>G on transcript NM_001048174.2 (MANE Select); 9 bases into the intron after coding-DNA position 115, C replaced by G.
Molecular consequence: intron variant.
Genome position (GRCh38, 1-based): chr1:45,334,382, G>C on the plus strand (C>G on the coding strand, the complement: MUTYH is on the minus strand). VCF-style: chr1-45334382-G-C. GRCh37 (hg19) VCF-style: chr1-45800054-G-C.
Other names: c.-93+9C>G (NM_001350651.2); c.-98+9C>G (NM_001293192.2, NM_001293196.2); c.-157+9C>G (NM_001350650.2); c.115+9C>G (NM_001048171.2, NM_001048173.2, NM_001048172.2 and 2 more transcripts); c.157+9C>G (NM_001293190.2, NM_012222.3, NM_001128425.2).
Identifiers: ClinVar variation 2034379 (VCV002034379.4), dbSNP rs1057522475, ClinGen allele CA2580063288.

ClinVar aggregate classification (germline): Uncertain significance (1 of 4 stars; one submission).

Conditions:
Familial adenomatous polyposis 2. Also called: COLORECTAL ADENOMATOUS POLYPOSIS, AUTOSOMAL RECESSIVE; ADENOMAS, MULTIPLE COLORECTAL, AUTOSOMAL RECESSIVE; Adenomas, multiple colorectal; MYH-associated polyposis; MUTYH-associated polyposis; MUTYH-related attenuated familial adenomatous polyposis. Identifiers: Orphanet 220460, Orphanet 247798, MedGen C3272841, MONDO:0012041, OMIM 608456.

Submission:

Labcorp Genetics (formerly Invitae), Labcorp
Classification: Uncertain significance for Familial adenomatous polyposis 2. Last evaluated: 2022-10-07. Review status: criteria provided, single submitter. Criteria: Invitae Variant Classification Sherloc (09022015). Collection method: clinical testing. Allele origin: germline.
Comment: This sequence change falls in intron 2 of the MUTYH gene. It does not directly change the encoded amino acid sequence of the MUTYH protein. This variant is not present in population databases (gnomAD no frequency). This variant has not been reported in the literature in individuals affected with MUTYH-related conditions. Algorithms developed to predict the effect of sequence changes on RNA splicing suggest that this variant may create or strengthen a splice site. In summary, the available evidence is currently insufficient to determine the role of this variant in disease. Therefore, it has been classified as a Variant of Uncertain Significance.